The following is an entry in ClinVar:

NM_001367561.1(DOCK7):c.3128A>G (p.Asp1043Gly)

Gene: DOCK7 (dedicator of cytokinesis 7; minus strand). Cytogenetic location: 1p31.3.
Variant type: single nucleotide variant.
Coding change: c.3128A>G on transcript NM_001367561.1 (MANE Select); coding-DNA position 3128, A replaced by G.
Protein change: p.Asp1043Gly; replaces aspartic acid 1043 with glycine.
Molecular consequence: missense variant.
Genome position (GRCh38, 1-based): chr1:62,539,810, T>C on the plus strand (A>G on the coding strand, the complement: DOCK7 is on the minus strand). VCF-style: chr1-62539810-T-C. GRCh37 (hg19) VCF-style: chr1-63005481-T-C.
Other names: c.3035A>G (NM_033407.2); c.3128A>G, p.Asp1043Gly (NM_001271999.2, NM_001330614.2); c.3035A>G, p.Asp1012Gly (NM_001272000.2, NM_001272001.2, NM_033407.4); short protein forms D1043G, D1012G.
Identifiers: ClinVar variation 836971 (VCV000836971.12), dbSNP rs1185359193, ClinGen allele CA340610088.

ClinVar aggregate classification (germline): Uncertain significance. Review status: criteria provided, multiple submitters, no conflicts (2 of 4 stars). 2 submissions from 2 submitters: Uncertain significance (2). Last evaluated 2024-10-15.

Conditions:
Inborn genetic diseases. Identifiers: MedGen C0950123, MeSH D030342.
Developmental and epileptic encephalopathy, 23 (DEE23). Also called: Epileptic encephalopathy, early infantile, 23. Identifiers: Orphanet 411986, MedGen C4014492, MONDO:0014371, OMIM 615859.

Allele frequency attached by ClinVar (database versions not stated): gnomAD exomes below 0.00001 and 0.00003; TOPMed 0.00002.
gnomAD v4.1: 46 of 1,613,934 alleles (0.0029%); highest among the groups gnomAD compares: Non-Finnish European, 0.0037%; no homozygotes.

Submissions (2):

Labcorp Genetics (formerly Invitae), Labcorp
Classification: Uncertain significance for Developmental and epileptic encephalopathy, 23. Last evaluated: 2024-10-15. Review status: criteria provided, single submitter. Criteria: Invitae Variant Classification Sherloc (09022015). Collection method: clinical testing. Allele origin: germline.
Comment: This sequence change replaces aspartic acid, which is acidic and polar, with glycine, which is neutral and non-polar, at codon 1043 of the DOCK7 protein (p.Asp1043Gly). This variant is present in population databases (no rsID available, gnomAD 0.0009%). This variant has not been reported in the literature in individuals affected with DOCK7-related conditions. ClinVar contains an entry for this variant (Variation ID: 836971). Invitae Evidence Modeling of protein sequence and biophysical properties (such as structural, functional, and spatial information, amino acid conservation, physicochemical variation, residue mobility, and thermodynamic stability) indicates that this missense variant is not expected to disrupt DOCK7 protein function with a negative predictive value of 80%. In summary, the available evidence is currently insufficient to determine the role of this variant in disease. Therefore, it has been classified as a Variant of Uncertain Significance.

Ambry Genetics
Classification: Uncertain significance for Inborn genetic diseases. Last evaluated: 2024-08-04. Review status: criteria provided, single submitter. Criteria: Ambry Variant Classification Scheme 2023. Collection method: clinical testing. Allele origin: germline.